The following is an entry in ClinVar:

ClinVar aggregate classification (germline): Pathogenic (1 of 4 stars; one submission).

Conditions:
Hereditary cancer-predisposing syndrome. Also called: Tumor predisposition; Neoplastic Syndromes, Hereditary; Hereditary Cancer Syndrome; Hereditary neoplastic syndrome. Identifiers: Orphanet 140162, MedGen C0027672, MeSH D009386, MONDO:0015356.

Submission:

Labcorp Genetics (formerly Invitae), Labcorp
Classification: Pathogenic for Hereditary cancer-predisposing syndrome. Last evaluated: 2025-07-30. Review status: criteria provided, single submitter. Criteria: Invitae Variant Classification Sherloc (09022015). Collection method: clinical testing. Allele origin: germline.
Comment: This sequence change inserts a large fragment of DNA, likely a transposable element, in exon 18 of the RAD50 gene (c.2868_2869ins?), causing a frameshift at codon 956 (p.Gly956fs). The exact size and sequence of the insertion cannot be determined by the current assay. However, the insertion is expected to result in an absent or disrupted protein product. This variant is not present in population databases (gnomAD no frequency). This variant has not been reported in the literature in individuals affected with RAD50-related conditions. Retrotransposon insertions including LINE1 (L1), Alu, and SVA (SINE-VNTR-Alu) have been reported to be disease-causing through disruption of either a coding region or splice site (PMID: 19763152, 20307669, 22406018) and loss-of-function variants in RAD50 are known to be pathogenic (PMID: 19409520). For these reasons, this variant has been classified as Pathogenic.

Literature cited by the submitters: PubMed 19763152; PubMed 20307669; PubMed 22406018; PubMed 19409520.

NM_005732.4(RAD50):c.2868_2869insGAGCTTGCAGTGAGCCGAGATTGCGCCACTGCAGTCCGCAGTCCGGCCTGGGCGACAGAGCGAGACTCCGTCTCAAAAAAAAAAAAAAAAAAAAAAAAANNNNNNNNNNAAAAAAAAAAAAAAAAAAAAAAAAATATTCATGGC (p.Gly956_Tyr957insGluLeuAlaValSerArgAspCysAlaThrAlaValArgSerProAlaTrpAlaThrGluArgAspSerValSerLysLysLysLysLysLysLysLysXaaXaaXaaXaaLysLysLysLysLysLysLysAsnIleHisGly)

Gene: RAD50 (RAD50 double strand break repair protein; plus strand). Cytogenetic location: 5q31.1.
Variant type: Microsatellite.
Coding change: c.2868_2869insGAGCTTGCAGTGAGCCGAGATTGCGCCACTGCAGTCCGCAGTCCGGCCTGGGCGACAGAGCGAGACTCCGTCTCAAAAAAAAAAAAAAAAAAAAAAAAANNNNNNNNNNAAAAAAAAAAAAAAAAAAAAAAAAATATTCATGGC on transcript NM_005732.4 (MANE Select); coding-DNA positions 2868 to 2869, GAGCTTGCAGTGAGCCGAGATTGCGCCACTGCAGTCCGCAGTCCGGCCTGGGCGACAGAGCGAGACTCCGTCTCAAAAAAAAAAAAAAAAAAAAAAAAANNNNNNNNNNAAAAAAAAAAAAAAAAAAAAAAAAATATTCATGGC inserted.
Protein change: p.Gly956_Tyr957insGluLeuAlaValSerArgAspCysAlaThrAlaValArgSerProAlaTrpAlaThrGluArgAspSerValSerLysLysLysLysLysLysLysLysXaaXaaXaaXaaLysLysLysLysLysLysLysAsnIleHisGly.
Molecular consequence: inframe insertion.
Genome position: GRCh38: chr5:132,609,141-132,609,155. GRCh37 (hg19): chr5:131,944,833-131,944,847.
Identifiers: ClinVar variation 1453982 (VCV001453982.7).